The following is an entry in ClinVar:

ClinVar aggregate classification (germline): Benign. Review status: criteria provided, multiple submitters, no conflicts (2 of 4 stars). 2 submissions from 2 submitters: Benign (2). Last evaluated 2018-06-16.

Allele frequency attached by ClinVar (database versions not stated): 1000 Genomes Project 30x 0.39038; 1000 Genomes Project 0.39357; gnomAD 0.38623 and 0.39547; gnomAD exomes 0.50392; TOPMed 0.38045.
gnomAD v4.1: 298,932 of 626,790 alleles (48%); highest among the groups gnomAD compares: South Asian, 58%; 75,944 homozygotes.

Submissions (2):

GeneDx
Classification: Benign. Last evaluated: 2018-06-16. Review status: criteria provided, single submitter. Criteria: GeneDx Variant Classification (06012015). Collection method: clinical testing. Allele origin: germline. Affected: yes.
Comment: This variant is considered likely benign or benign based on one or more of the following criteria: it is a conservative change, it occurs at a poorly conserved position in the protein, it is predicted to be benign by multiple in silico algorithms, and/or has population frequency not consistent with disease.

Breakthrough Genomics
Classification: Benign. Review status: criteria provided, single submitter. Criteria: ACMG Guidelines, 2015. Collection method: not provided. Allele origin: germline. Inheritance: Autosomal recessive inheritance. Affected: yes.

NM_145693.2(LPIN1):c.-33033T>C

Gene: LPIN1 (lipin 1; plus strand). Cytogenetic location: 2p25.1.
Variant type: single nucleotide variant.
Coding change: c.-33033T>C on transcript NM_145693.2; 33033 bases upstream of the start codon, T replaced by C.
Molecular consequence: intron variant (on NM_001261428.3).
Genome position (GRCh38, 1-based): chr2:11,713,648, T>C. VCF-style: chr2-11713648-T-C. GRCh37 (hg19) VCF-style: chr2-11853774-T-C.
Other names: c.82-108T>C (NM_001261428.3, NM_001349208.2); c.81+35920T>C (NM_001349207.2).
Identifiers: ClinVar variation 683083 (VCV000683083.4), dbSNP rs12465629, ClinGen allele CA11145768.